The following is an entry in ClinVar:

NM_000143.4(FH):c.924T>C (p.Ala308=)

Gene: FH (fumarate hydratase; minus strand). Cytogenetic location: 1q43.
Variant type: single nucleotide variant.
Coding change: c.924T>C on transcript NM_000143.4 (MANE Select); coding-DNA position 924, T replaced by C.
Protein change: p.Ala308=; no amino-acid change (alanine 308 retained).
Molecular consequence: synonymous variant.
Genome position (GRCh38, 1-based): chr1:241,504,226, A>G on the plus strand (T>C on the coding strand, the complement: FH is on the minus strand). VCF-style: chr1-241504226-A-G. GRCh37 (hg19) VCF-style: chr1-241667526-A-G.
Identifiers: ClinVar variation 3773280 (VCV003773280.1).

ClinVar aggregate classification (germline): Benign (1 of 4 stars; one submission).

Conditions:
Hereditary leiomyomatosis and renal cell cancer. Also called: MULTIPLE CUTANEOUS AND UTERINE LEIOMYOMATA 1, WITH OR WITHOUT RENAL CELL CARCINOMA; LEIOMYOMA, MULTIPLE CUTANEOUS; FH tumor predisposition syndrome; Reed syndrome; Multiple cutaneous and uterine leiomyomatosis; Cutaneous leiomyomata with uterine leiomyomata. Identifiers: Orphanet 523, MedGen C1708350, MONDO:0007888, OMIM 150800, HP:0007437. Disease mechanism: loss of function.

Submission:

Myriad Genetics, Inc.
Classification: Benign for Hereditary leiomyomatosis and renal cell cancer. Last evaluated: 2024-10-18. Review status: criteria provided, single submitter. Criteria: Myriad Autosomal Dominant, Autosomal Recessive and X-Linked Classification Criteria (2023). Collection method: clinical testing. Allele origin: unknown.
Comment: This variant is considered benign. This variant is a silent/synonymous amino acid change and it is not expected to impact splicing.